The following is an entry in ClinVar:

NM_000051.4(ATM):c.6127_6131dup (p.Leu2046fs)

Genes: ATM (ATM serine/threonine kinase; plus strand), C11orf65 (chromosome 11 open reading frame 65; minus strand). Cytogenetic location: 11q22.3.
Variant type: Duplication.
Coding change: c.6127_6131dup on transcript NM_000051.4 (MANE Select); coding-DNA positions 6127 to 6131, 5 bases duplicated (GGCAA; older notation c.6127_6131dupGGCAA).
Protein change: p.Leu2046fs; shifts the reading frame from leucine 2046.
Molecular consequence: frameshift variant. On other transcripts: intron variant (2).
Genome position (GRCh38, 1-based): chr11:108,316,042-108,316,046, GGCAA duplicated. VCF-style (leftmost placement, unchanged base first): chr11-108316041-G-GGGCAA. GRCh37 (hg19) VCF-style: chr11-108186768-G-GGGCAA.
Other names: c.6127_6131dup, p.Leu2046fs (NM_001351834.2); c.641-6975_641-6971dup (NM_001330368.2); c.*39-6975_*39-6971dup (NM_001351110.2); short protein forms L2046fs.
Identifiers: ClinVar variation 2743428 (VCV002743428.3), dbSNP rs2547094760, ClinGen allele CA2697558923.

ClinVar aggregate classification (germline): Pathogenic (1 of 4 stars; one submission).

Conditions:
Ataxia-telangiectasia syndrome (AT). Also called: LOUIS-BAR SYNDROME; Cerebello-oculocutaneous telangiectasia; Immunodeficiency with ataxia telangiectasia; Ataxia telangiectasia (A-T); Ataxia-telangiectasia, complementation group D; AT, COMPLEMENTATION GROUP C. Identifiers: Orphanet 100, MedGen C0004135, MONDO:0008840, OMIM 208900.

Submission:

Labcorp Genetics (formerly Invitae), Labcorp
Classification: Pathogenic for Ataxia-telangiectasia syndrome. Last evaluated: 2023-07-29. Review status: criteria provided, single submitter. Criteria: Invitae Variant Classification Sherloc (09022015). Collection method: clinical testing. Allele origin: germline.
Comment: For these reasons, this variant has been classified as Pathogenic. This variant has not been reported in the literature in individuals affected with ATM-related conditions. This variant is not present in population databases (gnomAD no frequency). This sequence change creates a premature translational stop signal (p.Leu2046Lysfs*3) in the ATM gene. It is expected to result in an absent or disrupted protein product. Loss-of-function variants in ATM are known to be pathogenic (PMID: 23807571, 25614872).

Literature cited by the submitters: PubMed 23807571; PubMed 25614872.